The following is an entry in ClinVar:

ClinVar aggregate classification (germline): Conflicting classifications of pathogenicity. Review status: criteria provided, conflicting classifications (1 of 4 stars). 2 submissions from 2 submitters: Uncertain significance (1); Likely benign (1). Last evaluated 2025-10-26.

Allele frequency attached by ClinVar (database versions not stated): gnomAD 0.00016; ESP Exome Variant Server 0.00023; 1000 Genomes Project 30x 0.00031; 1000 Genomes Project 0.00040; TOPMed 0.00011; ExAC 0.00007.
gnomAD v4.1: 35 of 1,613,008 alleles (0.0022%); highest among the groups gnomAD compares: African/African-American, 0.044%; no homozygotes.

Submissions (2):

Labcorp Genetics (formerly Invitae), Labcorp
Classification: Likely benign. Last evaluated: 2025-10-26. Review status: criteria provided, single submitter. Criteria: Invitae Variant Classification Sherloc (09022015). Collection method: clinical testing. Allele origin: germline.

Women's Health and Genetics/Laboratory Corporation of America, LabCorp
Classification: Uncertain significance. Last evaluated: 2024-02-12. Review status: criteria provided, single submitter. Criteria: LabCorp Variant Classification Summary - May 2015. Collection method: clinical testing. Allele origin: germline.
Comment: Variant summary: CDK5RAP2 c.1095G>A (p.Gly365Gly) alters a non-conserved nucleotide located close to a canonical splice site and therefore could affect mRNA splicing, leading to a significantly altered protein sequence. Consensus agreement among computation tools predict no significant impact on normal splicing. However, these predictions have yet to be confirmed by functional studies. The variant allele was found at a frequency of 3.6e-05 in 251244 control chromosomes. The available data on variant occurrences in the general population are insufficient to allow any conclusion about variant significance. To our knowledge, no occurrence of c.1095G>A in individuals affected with Primary Autosomal Recessive Microcephaly 3 and no experimental evidence demonstrating its impact on protein function have been reported. No submitters have cited clinical-significance assessments for this variant to ClinVar. Based on the evidence outlined above, the variant was classified as uncertain significance.

NM_018249.6(CDK5RAP2):c.1095G>A (p.Gly365=)

Gene: CDK5RAP2 (CDK5 regulatory subunit associated protein 2; minus strand). Cytogenetic location: 9q33.2.
Variant type: single nucleotide variant.
Coding change: c.1095G>A on transcript NM_018249.6 (MANE Select); coding-DNA position 1095, G replaced by A.
Protein change: p.Gly365=; no amino-acid change (glycine 365 retained).
Molecular consequence: synonymous variant. On other transcripts: non-coding transcript variant (5).
Genome position (GRCh38, 1-based): chr9:120,518,643, C>T on the plus strand (G>A on the coding strand, the complement: CDK5RAP2 is on the minus strand). VCF-style: chr9-120518643-C-T. GRCh37 (hg19) VCF-style: chr9-123280921-C-T.
Other names: c.1095G>A, p.Gly365= (NM_001011649.3, NM_001272039.2, NM_001410992.1 and 2 more transcripts).
Identifiers: ClinVar variation 3069125 (VCV003069125.4), dbSNP rs199851990, ClinGen allele CA5214496.
Genomic context (GRCh38, chr9:120,518,643, plus strand): 5'-TGAGCGCAGCGCAGCCGAAAGGGCTTCCTTTCCTGATAGAGCAGTCTCATAGTCTTCAGA[C>T]CCCTAGAAGAGAAGGCAGAGAAGCAAGATGAGCTAATTTTCATACCTCATGAAACAAACC-3'
Protein context (NP_060719.4, residues 355-375): LQKAQTQEFQ[Gly365=]SEDYETALSG